The following is an entry in ClinVar:

ClinVar aggregate classification (germline): Pathogenic (1 of 4 stars; one submission).

Conditions:
Neurofibromatosis, type 1 (NF1). Also called: Neurofibromatosis, type I; VON RECKLINGHAUSEN DISEASE; NEUROFIBROMATOSIS, TYPE I, SOMATIC; Peripheral type neurofibromatosis. Identifiers: Orphanet 636, MedGen C0027831, MONDO:0018975, OMIM 162200. Disease mechanism: loss of function.

Submission:

Labcorp Genetics (formerly Invitae), Labcorp
Classification: Pathogenic for Neurofibromatosis, type 1. Last evaluated: 2021-06-14. Review status: criteria provided, single submitter. Criteria: Invitae Variant Classification Sherloc (09022015). Collection method: clinical testing. Allele origin: germline.
Comment: For these reasons, this variant has been classified as Pathogenic. This variant has been observed in individual(s) with neurofibromatosis (Invitae). This variant is not present in population databases (ExAC no frequency). This sequence change creates a premature translational stop signal (p.Leu625Serfs*9) in the NF1 gene. It is expected to result in an absent or disrupted protein product. Loss-of-function variants in NF1 are known to be pathogenic (PMID: 10712197, 23913538).

Literature cited by the submitters: PubMed 10712197; PubMed 23913538.

NM_001042492.3(NF1):c.1872dup (p.Leu625fs)

Gene: NF1 (neurofibromin 1; plus strand). Cytogenetic location: 17q11.2.
Variant type: Duplication.
Coding change: c.1872dup on transcript NM_001042492.3 (MANE Select); coding-DNA position 1872, one base duplicated (T; older notation c.1872dupT).
Protein change: p.Leu625fs; shifts the reading frame from leucine 625.
Molecular consequence: frameshift variant.
Genome position (GRCh38, 1-based): chr17:31,225,121, T duplicated; the last of 3 consecutive T bases (chr17:31,225,119-31,225,121); duplicating any one gives the same sequence. VCF-style (leftmost placement, unchanged base first): chr17-31225118-C-CT. GRCh37 (hg19) VCF-style: chr17-29552136-C-CT.
Other names: c.1872dup, p.Leu625Serfs (NM_000267.4); short protein forms L625fs.
Identifiers: ClinVar variation 1453540 (VCV001453540.8), dbSNP rs2144026030, ClinGen allele CA2573153237.